The following is an entry in ClinVar:

ClinVar aggregate classification (germline): Uncertain significance (1 of 4 stars; one submission).

Conditions:
Muscle AMP deaminase deficiency (MMDD). Also called: Myoadenylate deaminase deficiency, myopathy due to; Adenosine monophosphate deaminase 1 deficiency; AMP deaminase 1 deficiency; Adenosine Monophosphate Deaminase 1; ADENOSINE MONOPHOSPHATE DEAMINASE-1 DEFICIENCY, MYOPATHY DUE TO; AMPD1 DEFICIENCY. Identifiers: Orphanet 45, MedGen C3714933, MONDO:0014220, OMIM 615511.

Allele frequency attached by ClinVar (database versions not stated): gnomAD exomes 0.00001.

Submission:

Labcorp Genetics (formerly Invitae), Labcorp
Classification: Uncertain significance for Muscle AMP deaminase deficiency. Last evaluated: 2025-10-02. Review status: criteria provided, single submitter. Criteria: Invitae Variant Classification Sherloc (09022015). Collection method: clinical testing. Allele origin: germline.
Comment: This sequence change affects a donor splice site in intron 12 of the AMPD1 gene. It is expected to disrupt RNA splicing. Variants that disrupt the donor or acceptor splice site typically lead to a loss of protein function (PMID: 16199547), however the current clinical and genetic evidence is not sufficient to establish whether loss-of-function variants in AMPD1 cause disease. This variant is present in population databases (no rsID available, gnomAD 0.006%). This variant has not been reported in the literature in individuals affected with AMPD1-related conditions. ClinVar contains an entry for this variant (Variation ID: 1481101). Algorithms developed to predict the effect of sequence changes on RNA splicing suggest that this variant may disrupt the consensus splice site. In summary, the available evidence is currently insufficient to determine the role of this variant in disease. Therefore, it has been classified as a Variant of Uncertain Significance.

Literature cited by the submitters: PubMed 16199547.

NM_000036.3(AMPD1):c.1679+1G>C

Gene: AMPD1 (adenosine monophosphate deaminase 1; minus strand). Cytogenetic location: 1p13.2.
Variant type: single nucleotide variant.
Coding change: c.1679+1G>C on transcript NM_000036.3 (MANE Select); the canonical splice donor site of the intron after coding-DNA position 1679, G replaced by C.
Molecular consequence: splice donor variant.
Genome position (GRCh38, 1-based): chr1:114,675,529, C>G on the plus strand (G>C on the coding strand, the complement: AMPD1 is on the minus strand). VCF-style: chr1-114675529-C-G. GRCh37 (hg19) VCF-style: chr1-115218150-C-G.
Other names: c.1667+1G>C (NM_001172626.2).
Identifiers: ClinVar variation 1481101 (VCV001481101.6), dbSNP rs1311864516, ClinGen allele CA341746461.